The following is an entry in ClinVar:

ClinVar aggregate classification (germline): Uncertain significance (1 of 4 stars; one submission).

Submission:

Women's Health and Genetics/Laboratory Corporation of America, LabCorp
Classification: Uncertain significance. Last evaluated: 2025-03-31. Review status: criteria provided, single submitter. Criteria: LabCorp Variant Classification Summary - May 2015. Collection method: clinical testing. Allele origin: germline.
Comment: Variant summary: USP9X c.1018C>T (p.Leu340Phe) results in a non-conservative amino acid change in the encoded protein sequence. Four of five in-silico tools predict a damaging effect of the variant on protein function. The variant was absent in 157611 control chromosomes. The available data on variant occurrences in the general population are insufficient to allow any conclusion about variant significance. To our knowledge, no occurrence of c.1018C>T in individuals affected with Mental Retardation, X-Linked 99 and no experimental evidence demonstrating its impact on protein function have been reported. No submitters have cited clinical-significance assessments for this variant to ClinVar. Based on the evidence outlined above, the variant was classified as uncertain significance.

NM_001039591.3(USP9X):c.1018C>T (p.Leu340Phe)

Gene: USP9X (ubiquitin specific peptidase 9 X-linked; plus strand). Cytogenetic location: Xp11.4.
Variant type: single nucleotide variant.
Coding change: c.1018C>T on transcript NM_001039591.3 (MANE Select); coding-DNA position 1018, C replaced by T.
Protein change: p.Leu340Phe; replaces leucine 340 with phenylalanine.
Molecular consequence: missense variant.
Genome position (GRCh38, 1-based): chrX:41,141,213, C>T. VCF-style: chrX-41141213-C-T. GRCh37 (hg19) VCF-style: chrX-41000466-C-T.
Other names: c.1018C>T, p.Leu340Phe (NM_001039590.3, NM_001410748.1, NM_001410749.1); short protein forms L340F.
Identifiers: ClinVar variation 3895998 (VCV003895998.1).